The following is an entry in ClinVar:

NM_000435.3(NOTCH3):c.1511G>A (p.Cys504Tyr)

Gene: NOTCH3 (notch receptor 3; minus strand). Cytogenetic location: 19p13.12.
Variant type: single nucleotide variant.
Coding change: c.1511G>A on transcript NM_000435.3 (MANE Select); coding-DNA position 1511, G replaced by A.
Protein change: p.Cys504Tyr; replaces cysteine 504 with tyrosine.
Molecular consequence: missense variant.
Genome position (GRCh38, 1-based): chr19:15,187,976, C>T on the plus strand (G>A on the coding strand, the complement: NOTCH3 is on the minus strand). VCF-style: chr19-15187976-C-T. GRCh37 (hg19) VCF-style: chr19-15298787-C-T.
Other names: short protein forms C504Y.
Identifiers: ClinVar variation 2002851 (VCV002002851.6), dbSNP rs2512659535, ClinGen allele CA404526583.
Genomic context (GRCh38, chr19:15,187,976, plus strand): 5'-TCCACGCATTTGGCGCCATTCCTGCAGGGCGTGCTGGCGCATTCGTCCACGTCCAGCTGA[C>T]ACGTGGAGCCGCTGAAGCCTGGGGTGGGGAGTGGGATGAGCAGAGGCCCAGAAAGGGTGA-3'
Protein context (NP_000426.2, residues 494-514): TCPSGFSGST[Cys504Tyr]QLDVDECAST

ClinVar aggregate classification (germline): Likely pathogenic. Review status: criteria provided, multiple submitters, no conflicts (2 of 4 stars). 2 submissions from 2 submitters: Likely pathogenic (2). Last evaluated 2026-03-10.

Conditions:
Cerebral arteriopathy, autosomal dominant, with subcortical infarcts and leukoencephalopathy, type 1 (CADASIL1). Also called: DEMENTIA, HEREDITARY MULTIINFARCT TYPE; CADASIL 1; CASIL; Cerebral arteriopathy with subcortical infarcts and leukoencephalopathy 1. Identifiers: Orphanet 136, MedGen C4551768, MONDO:0000914, OMIM 125310.

Submissions (2):

Victorian Clinical Genetics Services, Murdoch Childrens Research Institute
Classification: Likely pathogenic for Cerebral arteriopathy, autosomal dominant, with subcortical infarcts and leukoencephalopathy, type 1. Last evaluated: 2026-03-10. Review status: criteria provided, single submitter. Criteria: ACMG Guidelines, 2015. Collection method: clinical testing. Allele origin: germline. Affected: yes.
Comment: This variant is classified as Likely pathogenic. Evidence in support of pathogenic classification: Variant is absent from gnomAD (v2, v3 and v4); This variant has limited previous evidence of pathogenicity in unrelated individual(s). This variant has been classified as likely pathogenic by a clinical laboratory in ClinVar and reported in the literature in an individual with cerebral arteriopathy, autosomal dominant, with subcortical infarcts and leukoencephalopathy 1 (CADASIL) (PMID: 35822697); Other missense variants comparable to the one identified in this case have limited previous evidence for pathogenicity. The p.(Cys504Gly) and p.(Cys504Ser) variants have been classified as likely pathogenic and as a VUS respectively, and the p.(Cys504Trp) variant has been classified as both pathogenic and a VUS by clinical laboratories in ClinVar. The p.(Cys504Arg) variant has been reported in the literature in an individual with CADASIL (PMID: 19242647); Variant is located in the well-established EGFr repeat region and disrupts a paired cysteine disulfide bond (Cambridge CADASIL Database); Missense variant predicted to be damaging by in silico tool(s) or highly conserved with a major amino acid change. Additional information: Variant is predicted to result in a missense amino acid change from Cys to Tyr; This variant is heterozygous; This gene is associated with autosomal dominant disease; Alternative amino acid change(s) at the same position are present in gnomAD (v4: 1 heterozygote(s), 0 homozygote(s)); No published evidence of segregation with disease has been identified for this variant; No published functional evidence has been identified for this variant; The mechanism of disease for this gene is not clearly established. Both loss of function and dominant negative have been suggested as mechanisms in CADASIL (MIM#125310); however, lateral meningocele syndrome (MIM#130720) results from a gain of function (OMIM); Variants in this gene are known to have variable expressivity. The p.(Arg544Cys) variant is associated with a later age of onset and milder clinical features than other NOTCH3 variants (PMIDs: 20301673, 26308724); Inheritance information for this variant is not currently available in this individual.

Labcorp Genetics (formerly Invitae), Labcorp
Classification: Likely pathogenic. Last evaluated: 2024-04-25. Review status: criteria provided, single submitter. Criteria: Invitae Variant Classification Sherloc (09022015). Collection method: clinical testing. Allele origin: germline.
Comment: This sequence change replaces cysteine, which is neutral and slightly polar, with tyrosine, which is neutral and polar, at codon 504 of the NOTCH3 protein (p.Cys504Tyr). This variant is not present in population databases (gnomAD no frequency). This missense change has been observed in individual(s) with clinical features of cerebral arteriopathy with subcortical infarcts and leukoencephalopathy (PMID: 35822697; external communications). ClinVar contains an entry for this variant (Variation ID: 2002851). Advanced modeling of protein sequence and biophysical properties (such as structural, functional, and spatial information, amino acid conservation, physicochemical variation, residue mobility, and thermodynamic stability) performed at Invitae indicates that this missense variant is expected to disrupt NOTCH3 protein function with a positive predictive value of 95%. This variant disrupts the p.Cys504 amino acid residue in NOTCH3. Other variant(s) that disrupt this residue have been observed in individuals with NOTCH3-related conditions (PMID: 35822697; Invitae), which suggests that this may be a clinically significant amino acid residue. In summary, the currently available evidence indicates that the variant is pathogenic, but additional data are needed to prove that conclusively. Therefore, this variant has been classified as Likely Pathogenic.

Literature cited by the submitters: PubMed 26308724 (cited by Victorian Clinical Genetics Services, Murdoch Childrens Research Institute); PubMed 19242647 (cited by Victorian Clinical Genetics Services, Murdoch Childrens Research Institute); PubMed 35822697 (cited by Victorian Clinical Genetics Services, Murdoch Childrens Research Institute and Labcorp Genetics (formerly Invitae), Labcorp); PubMed 20301673 (cited by Victorian Clinical Genetics Services, Murdoch Childrens Research Institute).